The following is an entry in ClinVar:

NM_012448.4(STAT5B):c.163A>G (p.Ile55Val)

Gene: STAT5B (signal transducer and activator of transcription 5B; minus strand). Cytogenetic location: 17q21.2.
Variant type: single nucleotide variant.
Coding change: c.163A>G on transcript NM_012448.4 (MANE Select); coding-DNA position 163, A replaced by G.
Protein change: p.Ile55Val; replaces isoleucine 55 with valine.
Molecular consequence: missense variant.
Genome position (GRCh38, 1-based): chr17:42,227,651, T>C on the plus strand (A>G on the coding strand, the complement: STAT5B is on the minus strand). VCF-style: chr17-42227651-T-C. GRCh37 (hg19) VCF-style: chr17-40379669-T-C.
Other names: short protein forms I55V.
Identifiers: ClinVar variation 3660553 (VCV003660553.2).

ClinVar aggregate classification (germline): Uncertain significance (1 of 4 stars; one submission).

Conditions:
Growth hormone insensitivity with immune dysregulation 1, autosomal recessive. Also called: Laron syndrome with immunodeficiency; GROWTH HORMONE INSENSITIVITY DUE TO POSTRECEPTOR DEFECT; LARON SYNDROME DUE TO POSTRECEPTOR DEFECT; GROWTH HORMONE INSENSITIVITY SYNDROME WITH IMMUNE DYSREGULATION 1, AUTOSOMAL RECESSIVE. Identifiers: Orphanet 220465, MedGen C5435698, MONDO:0100211, OMIM 245590.

gnomAD v4.1: 1 of 1,614,132 alleles (0.000062%); no homozygotes.

Submission:

Labcorp Genetics (formerly Invitae), Labcorp
Classification: Uncertain significance for Growth hormone insensitivity with immune dysregulation 1, autosomal recessive. Last evaluated: 2024-07-24. Review status: criteria provided, single submitter. Criteria: Invitae Variant Classification Sherloc (09022015). Collection method: clinical testing. Allele origin: germline.
Comment: This sequence change replaces isoleucine, which is neutral and non-polar, with valine, which is neutral and non-polar, at codon 55 of the STAT5B protein (p.Ile55Val). This variant is not present in population databases (gnomAD no frequency). This variant has not been reported in the literature in individuals affected with STAT5B-related conditions. Advanced modeling of protein sequence and biophysical properties (such as structural, functional, and spatial information, amino acid conservation, physicochemical variation, residue mobility, and thermodynamic stability) performed at Invitae indicates that this missense variant is not expected to disrupt STAT5B protein function with a negative predictive value of 80%. In summary, the available evidence is currently insufficient to determine the role of this variant in disease. Therefore, it has been classified as a Variant of Uncertain Significance.